The following is an entry in ClinVar:

ClinVar aggregate classification (germline): Uncertain significance (1 of 4 stars; one submission).

Conditions:
Intellectual developmental disorder, autosomal dominant 1. Also called: MBD5 Haploinsufficiency; Intellectual disability, autosomal dominant 1. Identifiers: Orphanet 228402, MedGen C1969562, MONDO:0007974, OMIM 156200.

Submission:

Labcorp Genetics (formerly Invitae), Labcorp
Classification: Uncertain significance for Intellectual developmental disorder, autosomal dominant 1. Last evaluated: 2022-10-27. Review status: criteria provided, single submitter. Criteria: Invitae Variant Classification Sherloc (09022015). Collection method: clinical testing. Allele origin: germline.
Comment: In summary, the available evidence is currently insufficient to determine the role of this variant in disease. Therefore, it has been classified as a Variant of Uncertain Significance. Advanced modeling of protein sequence and biophysical properties (such as structural, functional, and spatial information, amino acid conservation, physicochemical variation, residue mobility, and thermodynamic stability) performed at Invitae indicates that this missense variant is not expected to disrupt MBD5 protein function. This variant has not been reported in the literature in individuals affected with MBD5-related conditions. This variant is not present in population databases (gnomAD no frequency). This sequence change replaces threonine, which is neutral and polar, with isoleucine, which is neutral and non-polar, at codon 1105 of the MBD5 protein (p.Thr1105Ile).

NM_001378120.1(MBD5):c.4013C>T (p.Thr1338Ile)

Gene: MBD5 (methyl-CpG binding domain protein 5; plus strand). Cytogenetic location: 2q23.1.
Variant type: single nucleotide variant.
Coding change: c.4013C>T on transcript NM_001378120.1 (MANE Select); coding-DNA position 4013, C replaced by T.
Protein change: p.Thr1338Ile; replaces threonine 1338 with isoleucine.
Molecular consequence: missense variant.
Genome position (GRCh38, 1-based): chr2:148,489,645, C>T. VCF-style: chr2-148489645-C-T. GRCh37 (hg19) VCF-style: chr2-149247214-C-T.
Other names: c.3314C>T, p.Thr1105Ile (NM_018328.5); short protein forms T1338I, T1105I.
Identifiers: ClinVar variation 2810246 (VCV002810246.3), dbSNP rs2470021864, ClinGen allele CA348727797.